The following is an entry in ClinVar:

NM_003238.6(TGFB2):c.967T>C (p.Tyr323His)

Gene: TGFB2 (transforming growth factor beta 2; plus strand). Cytogenetic location: 1q41.
Variant type: single nucleotide variant.
Coding change: c.967T>C on transcript NM_003238.6 (MANE Select); coding-DNA position 967, T replaced by C.
Protein change: p.Tyr323His; replaces tyrosine 323 with histidine.
Molecular consequence: missense variant. On other transcripts: non-coding transcript variant (2).
Genome position (GRCh38, 1-based): chr1:218,437,377, T>C. VCF-style: chr1-218437377-T-C. GRCh37 (hg19) VCF-style: chr1-218610719-T-C.
Other names: c.1051T>C, p.Tyr351His (NM_001135599.4); short protein forms Y323H, Y351H.
Identifiers: ClinVar variation 1219289 (VCV001219289.3), dbSNP rs752807885, ClinGen allele CA1398655.

ClinVar aggregate classification (germline): Uncertain significance (1 of 4 stars; one submission).

Allele frequency attached by ClinVar (database versions not stated): gnomAD exomes below 0.00001; ExAC 0.00001; TOPMed 0.00001.

Submission:

GeneDx
Classification: Uncertain significance. Last evaluated: 2021-02-03. Review status: criteria provided, single submitter. Criteria: GeneDx Variant Classification Process June 2021. Collection method: clinical testing. Allele origin: germline. Affected: yes.
Comment: Has not been previously published as pathogenic or benign to our knowledge; Not observed at a significant frequency in large population cohorts (Lek et al., 2016); In silico analysis supports that this missense variant has a deleterious effect on protein structure/function